The following is an entry in ClinVar:

NM_000202.8(IDS):c.353_356delinsGC (p.Thr118fs)

Gene: IDS (iduronate 2-sulfatase; minus strand). Cytogenetic location: Xq28.
Variant type: Indel.
Coding change: c.353_356delinsGC on transcript NM_000202.8 (MANE Select); coding-DNA positions 353 to 356, CCAT replaced by GC.
Protein change: p.Thr118fs; shifts the reading frame from threonine 118.
Molecular consequence: frameshift variant. On other transcripts: non-coding transcript variant (1).
Genome position (GRCh38, 1-based): chrX:149,503,374-149,503,377, ATGG replaced by GC on the plus strand (CCAT replaced by GC on the coding strand, the reverse complement: IDS is on the minus strand). VCF-style: chrX-149503374-ATGG-GC. GRCh37 (hg19) VCF-style: chrX-148584904-ATGG-GC.
Other names: c.83_86delinsGC, p.Thr28fs (NM_001166550.4); c.353_356delinsGC, p.Thr118fs (NM_006123.5); short protein forms T118fs, T28fs.
Identifiers: ClinVar variation 5011385 (VCV005011385.1).

ClinVar aggregate classification (germline): Pathogenic (1 of 4 stars; one submission).

Conditions:
Mucopolysaccharidosis, MPS-II (MPS2). Also called: Attenuated MPS (subtype; formerly known as mild MPS II); Severe MPS II; I2S deficiency; MPS 2; Hunter Syndrome; IDURONATE 2-SULFATASE DEFICIENCY. Identifiers: Orphanet 580, Orphanet 79388, MedGen C0026705, MONDO:0010674, OMIM 309900.

Submission:

Myriad Genetics, Inc.
Classification: Pathogenic for Mucopolysaccharidosis, MPS-II. Last evaluated: 2023-08-18. Review status: criteria provided, single submitter. Criteria: Myriad Autosomal Dominant, Autosomal Recessive and X-Linked Classification Criteria (2023). Collection method: clinical testing. Allele origin: unknown.
Comment: NM_000202.5(IDS):c.353_356delCCATinsGC(T118Sfs*26) is expected to be pathogenic in the context of mucopolysaccharidosis type II. This variant is predicted to lead to an abnormal or absent protein product due to the creation of a premature termination codon in IDS, a gene where loss-of-function variants are known to be pathogenic. Please note: this variant was assessed in the context of healthy population screening.